The following is an entry in ClinVar:

NM_015425.6(POLR1A):c.3901G>A (p.Glu1301Lys)

Gene: POLR1A (RNA polymerase I subunit A; minus strand). Cytogenetic location: 2p11.2.
Variant type: single nucleotide variant.
Coding change: c.3901G>A on transcript NM_015425.6 (MANE Select); coding-DNA position 3901, G replaced by A.
Protein change: p.Glu1301Lys; replaces glutamic acid 1301 with lysine.
Molecular consequence: missense variant.
Genome position (GRCh38, 1-based): chr2:86,038,833, C>T on the plus strand (G>A on the coding strand, the complement: POLR1A is on the minus strand). VCF-style: chr2-86038833-C-T. GRCh37 (hg19) VCF-style: chr2-86265956-C-T.
Other names: c.3901G>A (NM_015425.3); short protein forms E1301K.
Identifiers: ClinVar variation 1404703 (VCV001404703.9), dbSNP rs764041864, ClinGen allele CA1745642.

ClinVar aggregate classification (germline): Uncertain significance. Review status: criteria provided, multiple submitters, no conflicts (2 of 4 stars). 2 submissions from 2 submitters: Uncertain significance (2). Last evaluated 2025-07-02.

Conditions:
Inborn genetic diseases. Identifiers: MedGen C0950123, MeSH D030342.

Allele frequency attached by ClinVar (database versions not stated): TOPMed below 0.00001; ExAC 0.00001; gnomAD 0.00001; gnomAD exomes 0.00001.
gnomAD v4.1: 12 of 1,614,008 alleles (0.00074%); highest among the groups gnomAD compares: Non-Finnish European, 0.00093%; no homozygotes.

Submissions (2):

Ambry Genetics
Classification: Uncertain significance for Inborn genetic diseases. Last evaluated: 2025-07-02. Review status: criteria provided, single submitter. Criteria: Ambry Variant Classification Scheme 2023. Collection method: clinical testing. Allele origin: germline.

Labcorp Genetics (formerly Invitae), Labcorp
Classification: Uncertain significance. Last evaluated: 2025-03-17. Review status: criteria provided, single submitter. Criteria: Invitae Variant Classification Sherloc (09022015). Collection method: clinical testing. Allele origin: germline.
Comment: This sequence change replaces glutamic acid, which is acidic and polar, with lysine, which is basic and polar, at codon 1301 of the POLR1A protein (p.Glu1301Lys). This variant is present in population databases (rs764041864, gnomAD 0.002%). This variant has not been reported in the literature in individuals affected with POLR1A-related conditions. ClinVar contains an entry for this variant (Variation ID: 1404703). Invitae Evidence Modeling of protein sequence and biophysical properties (such as structural, functional, and spatial information, amino acid conservation, physicochemical variation, residue mobility, and thermodynamic stability) indicates that this missense variant is expected to disrupt POLR1A protein function with a positive predictive value of 80%. In summary, the available evidence is currently insufficient to determine the role of this variant in disease. Therefore, it has been classified as a Variant of Uncertain Significance.